The following is an entry in ClinVar:

ClinVar aggregate classification (germline): Uncertain significance (1 of 4 stars; one submission).

Conditions:
Ullrich congenital muscular dystrophy 2 (UCMD2). Identifiers: Orphanet 75840, MedGen C4225314, MONDO:0014654, OMIM 616470.
Bethlem myopathy 2 (BTHLM2). Identifiers: Orphanet 536516, Orphanet 610, MedGen C4225313, MONDO:0034022, OMIM 616471.

Submission:

Labcorp Genetics (formerly Invitae), Labcorp
Classification: Uncertain significance for Bethlem myopathy 2; Ullrich congenital muscular dystrophy 2. Last evaluated: 2025-08-13. Review status: criteria provided, single submitter. Criteria: Invitae Variant Classification Sherloc (09022015). Collection method: clinical testing. Allele origin: germline.
Comment: This sequence change replaces lysine, which is basic and polar, with arginine, which is basic and polar, at codon 176 of the COL12A1 protein (p.Lys176Arg). This variant is not present in population databases (gnomAD no frequency). This variant has not been reported in the literature in individuals affected with COL12A1-related conditions. ClinVar contains an entry for this variant (Variation ID: 2944520). Invitae Evidence Modeling of protein sequence and biophysical properties (such as structural, functional, and spatial information, amino acid conservation, physicochemical variation, residue mobility, and thermodynamic stability) indicates that this missense variant is not expected to disrupt COL12A1 protein function with a negative predictive value of 80%. In summary, the available evidence is currently insufficient to determine the role of this variant in disease. Therefore, it has been classified as a Variant of Uncertain Significance.

NM_004370.6(COL12A1):c.527A>G (p.Lys176Arg)

Gene: COL12A1 (collagen type XII alpha 1 chain; minus strand). Cytogenetic location: 6q13.
Variant type: single nucleotide variant.
Coding change: c.527A>G on transcript NM_004370.6 (MANE Select); coding-DNA position 527, A replaced by G.
Protein change: p.Lys176Arg; replaces lysine 176 with arginine.
Molecular consequence: missense variant. On other transcripts: intron variant (2).
Genome position (GRCh38, 1-based): chr6:75,189,683, T>C on the plus strand (A>G on the coding strand, the complement: COL12A1 is on the minus strand). VCF-style: chr6-75189683-T-C. GRCh37 (hg19) VCF-style: chr6-75899399-T-C.
Other names: c.527A>G, p.Lys176Arg (NM_001424113.1, NM_001424114.1, NM_001424115.1); c.73+13037A>G (NM_001424116.1, NM_080645.3); short protein forms K176R.
Identifiers: ClinVar variation 2944520 (VCV002944520.3), dbSNP rs2533603780, ClinGen allele CA364729183.